The following is an entry in ClinVar:

NM_001942.4(DSG1):c.517+5G>A

Gene: DSG1 (desmoglein 1; plus strand). Cytogenetic location: 18q12.1.
Variant type: single nucleotide variant.
Coding change: c.517+5G>A on transcript NM_001942.4 (MANE Select); 5 bases into the intron after coding-DNA position 517, G replaced by A.
Molecular consequence: intron variant.
Genome position (GRCh38, 1-based): chr18:31,330,041, G>A. VCF-style: chr18-31330041-G-A. GRCh37 (hg19) VCF-style: chr18-28910004-G-A.
Identifiers: ClinVar variation 4732932 (VCV004732932.1).

ClinVar aggregate classification (germline): Uncertain significance (1 of 4 stars; one submission).

Submission:

Labcorp Genetics (formerly Invitae), Labcorp
Classification: Uncertain significance. Last evaluated: 2025-12-10. Review status: criteria provided, single submitter. Criteria: Invitae Variant Classification Sherloc (09022015). Collection method: clinical testing. Allele origin: germline.
Comment: This sequence change falls in intron 5 of the DSG1 gene. It does not directly change the encoded amino acid sequence of the DSG1 protein. It affects a nucleotide within the consensus splice site. This variant is not present in population databases (gnomAD no frequency). This variant has not been reported in the literature in individuals affected with DSG1-related conditions. Variants that disrupt the consensus splice site are a relatively common cause of aberrant splicing (PMID: 17576681, 9536098). Algorithms developed to predict the effect of sequence changes on RNA splicing suggest that this variant may disrupt the consensus splice site. In summary, the available evidence is currently insufficient to determine the role of this variant in disease. Therefore, it has been classified as a Variant of Uncertain Significance.

Literature cited by the submitters: PubMed 17576681; PubMed 9536098.